The following continues an entry in ClinVar:

NM_024675.4(PALB2):c.2289G>C (p.Leu763Phe)

Gene: PALB2. ClinVar aggregate classification (germline): Conflicting classifications of pathogenicity. Uncertain significance (5); Benign (4); Likely benign (7).

Submissions 19 to 24 of 24:

Leiden Open Variation Database
Classification: Uncertain significance for Familial cancer of breast. Last evaluated: 2019-05-13. Review status: no assertion criteria provided. Collection method: curation. Allele origin: germline. Affected: no. Not counted in ClinVar's aggregate classification.
Comment: Curators: Marc Tischkowitz, Arleen D. Auerbach. Submitters to LOVD: Marc Tischkowitz, Yukihide Momozawa.

True Health Diagnostics
Classification: Uncertain significance for Hereditary cancer-predisposing syndrome. Last evaluated: 2017-09-13. Review status: no assertion criteria provided. Collection method: clinical testing. Allele origin: germline. Not counted in ClinVar's aggregate classification.

Clinical Genetics DNA and cytogenetics Diagnostics Lab, Erasmus MC, Erasmus Medical Center
Classification: Uncertain significance. Review status: no assertion criteria provided. Collection method: clinical testing. Allele origin: germline. Affected: yes. Study: VKGL Data-share Consensus. Not counted in ClinVar's aggregate classification.

Department of Pathology and Laboratory Medicine, Sinai Health System
Classification: Uncertain significance for Malignant tumor of breast. Review status: no assertion criteria provided. Collection method: clinical testing. Allele origin: unknown. Affected: yes. Observed: 4 variant alleles. Study: The Canadian Open Genetics Repository (COGR). Not counted in ClinVar's aggregate classification.
Comment: The PALB2 p.Leu763Phe variant was identified in 3 of 4236 proband chromosomes (frequency: 0.0007) from Asian and Australian individuals or families with breast and ovarian cancer (Phuah 2013, Thompson 2015). The variant was also identified in dbSNP (ID: rs373478248) as With other allele, ClinVar (1x likely benign: Invitae; 4x uncertain significance: Ambry Genetics, GeneDx, Peter MacCullum Cancer Centre, Color Genomics), LOVD 3.0 (2x likely does not affect function), databases. The variant was not identified in COSMIC, MutDB, or the Zhejiang Colon Cancer Database. The variant was identified in control databases in 14 of 277240 chromosomes at a frequency of 0.00005 increasing the likelihood that this may be a low frequency benign variant in certain populations of origin (Genome Aggregation Consortium Feb 27, 2017). The p.Leu763Phe residue is conserved in mammals and computational analyses (PolyPhen-2, SIFT, AlignGVGD, BLOSUM, MutationTaster) provide inconsistent predictions regarding the impact to the protein; this information is not very predictive of pathogenicity. The variant occurs outside of the splicing consensus sequence and 2 of 5 in silico or computational prediction software programs (SpliceSiteFinder, MaxEntScan, NNSPLICE, GeneSplicer, HumanSpliceFinder) predict a greater than 10% difference in splicing; this is not very predictive of pathogenicity. In summary, based on the above information the clinical significance of this variant cannot be determined with certainty at this time. This variant is classified as a variant of uncertain significance.

Joint Genome Diagnostic Labs from Nijmegen and Maastricht, Radboudumc and MUMC+
Classification: Uncertain significance. Review status: no assertion criteria provided. Collection method: clinical testing. Allele origin: germline. Affected: yes. Study: VKGL Data-share Consensus. Not counted in ClinVar's aggregate classification.

Laboratory of Diagnostic Genome Analysis, Leiden University Medical Center (LUMC)
Classification: Uncertain significance. Review status: no assertion criteria provided. Collection method: clinical testing. Allele origin: germline. Affected: yes. Study: VKGL Data-share Consensus. Not counted in ClinVar's aggregate classification.

Literature cited by the submitters: PubMed 36243179 (cited by Quest Diagnostics Nichols Institute San Juan Capistrano); PubMed 32068069 (cited by 3 submitters); PubMed 31636395 (cited by 5 submitters); PubMed 30093976 (cited by 3 submitters); PubMed 30287823 (cited by 5 submitters); PubMed 31843900 (cited by 3 submitters); PubMed 28779002 (cited by Quest Diagnostics Nichols Institute San Juan Capistrano); PubMed 23977390 (cited by 4 submitters); PubMed 25225064 (cited by Quest Diagnostics Nichols Institute San Juan Capistrano); PubMed 25186627 (cited by 5 submitters); PubMed 26283626 (cited by 4 submitters); PubMed 28825143 (cited by 4 submitters); PubMed 34326862 (cited by Quest Diagnostics Nichols Institute San Juan Capistrano); PubMed 35218119 (cited by Quest Diagnostics Nichols Institute San Juan Capistrano); PubMed 33195396 (cited by Quest Diagnostics Nichols Institute San Juan Capistrano); PubMed 30447919 (cited by Quest Diagnostics Nichols Institute San Juan Capistrano and Women's Health and Genetics/Laboratory Corporation of America, LabCorp); PubMed 33471991 (cited by Quest Diagnostics Nichols Institute San Juan Capistrano); PubMed 26689913 (cited by 3 submitters); PubMed 25085752 (cited by Myriad Genetics, Inc.); PubMed 28678401 (cited by Sema4 and Women's Health and Genetics/Laboratory Corporation of America, LabCorp).